The following is an entry in ClinVar:

ClinVar aggregate classification (germline): Uncertain significance (1 of 4 stars; one submission).

Allele frequency attached by ClinVar (database versions not stated): gnomAD exomes below 0.00001 and 0.00001.

Submissions (2):

Labcorp Genetics (formerly Invitae), Labcorp
Classification: Uncertain significance. Last evaluated: 2024-02-01. Review status: criteria provided, single submitter. Criteria: Invitae Variant Classification Sherloc (09022015). Collection method: clinical testing. Allele origin: germline.
Comment: This sequence change replaces serine, which is neutral and polar, with glycine, which is neutral and non-polar, at codon 359 of the NEXMIF protein (p.Ser359Gly). This variant is present in population databases (no rsID available, gnomAD 0.004%). This variant has not been reported in the literature in individuals affected with NEXMIF-related conditions. ClinVar contains an entry for this variant (Variation ID: 1444758). Algorithms developed to predict the effect of missense changes on protein structure and function output the following: SIFT: "Not Available"; PolyPhen-2: "Benign"; Align-GVGD: "Not Available". The glycine amino acid residue is found in multiple mammalian species, which suggests that this missense change does not adversely affect protein function. In summary, the available evidence is currently insufficient to determine the role of this variant in disease. Therefore, it has been classified as a Variant of Uncertain Significance.

Dr. Peter K. Rogan Lab, Western University
No classification provided (evidence only). Condition: Thyroid cancer, nonmedullary, 1. Review status: no classification provided. Collection method: in vitro. Allele origin: not applicable. Functional consequence: retained intron. Not counted in ClinVar's aggregate classification.

NM_001008537.3(NEXMIF):c.1075A>G (p.Ser359Gly)

Gene: NEXMIF (neurite extension and migration factor; minus strand). Cytogenetic location: Xq13.3.
Variant type: single nucleotide variant.
Coding change: c.1075A>G on transcript NM_001008537.3 (MANE Select); coding-DNA position 1075, A replaced by G.
Protein change: p.Ser359Gly; replaces serine 359 with glycine.
Molecular consequence: missense variant.
Genome position (GRCh38, 1-based): chrX:74,743,482, T>C on the plus strand (A>G on the coding strand, the complement: NEXMIF is on the minus strand). VCF-style: chrX-74743482-T-C. GRCh37 (hg19) VCF-style: chrX-73963317-T-C.
Other names: short protein forms S359G.
Identifiers: ClinVar variation 1444758 (VCV001444758.9), dbSNP rs1052706131, ClinGen allele CA331301799.